The following is an entry in ClinVar:

ClinVar aggregate classification (germline): Uncertain significance (1 of 4 stars; one submission).

Conditions:
Cardiovascular phenotype. Identifiers: MedGen CN230736.

Submission:

Ambry Genetics
Classification: Uncertain significance for Cardiovascular phenotype. Last evaluated: 2025-02-22. Review status: criteria provided, single submitter. Criteria: Ambry Variant Classification Scheme 2023. Collection method: clinical testing. Allele origin: germline.
Comment: The p.P1940S variant (also known as c.5818C>T), located in coding exon 2 of the ZNF469 gene, results from a C to T substitution at nucleotide position 5818. The proline at codon 1940 is replaced by serine, an amino acid with similar properties. This amino acid position is conserved. In addition, this alteration is predicted to be tolerated by in silico analysis. Based on the available evidence, the clinical significance of this variant remains unclear.

NM_001367624.2(ZNF469):c.5902C>T (p.Pro1968Ser)

Gene: ZNF469 (zinc finger protein 469; plus strand). Cytogenetic location: 16q24.2.
Variant type: single nucleotide variant.
Coding change: c.5902C>T on transcript NM_001367624.2 (MANE Select); coding-DNA position 5902, C replaced by T.
Protein change: p.Pro1968Ser; replaces proline 1968 with serine.
Molecular consequence: missense variant.
Genome position (GRCh38, 1-based): chr16:88,433,372, C>T. VCF-style: chr16-88433372-C-T. GRCh37 (hg19) VCF-style: chr16-88499780-C-T.
Other names: NM_001127464.1:c.5818C>T; short protein forms P1968S.
Identifiers: ClinVar variation 3821158 (VCV003821158.1).